The following is an entry in ClinVar:

NM_000202.8(IDS):c.880-2_880-1delinsCC

Genes: IDS (iduronate 2-sulfatase; minus strand), LOC106050102 (IDS recombination region; plus strand). Cytogenetic location: Xq28.
Variant type: Indel.
Coding change: c.880-2_880-1delinsCC on transcript NM_000202.8 (MANE Select); the canonical splice acceptor site of the intron before coding-DNA position 880, AG replaced by CC.
Molecular consequence: splice acceptor variant.
Genome position (GRCh38, 1-based): chrX:149,490,441-149,490,442, CT replaced by GG on the plus strand (AG replaced by CC on the coding strand, the reverse complement: IDS is on the minus strand). VCF-style: chrX-149490441-CT-GG. GRCh37 (hg19) VCF-style: chrX-148571972-CT-GG.
Other names: c.610-2_610-1delinsCC (NM_001166550.4); c.880-2_880-1delinsCC (NM_006123.5).
Identifiers: ClinVar variation 2698793 (VCV002698793.3), dbSNP rs2520813885, ClinGen allele CA2697544791.

ClinVar aggregate classification (germline): Likely pathogenic (1 of 4 stars; one submission).

Conditions:
Mucopolysaccharidosis, MPS-II (MPS2). Also called: Attenuated MPS (subtype; formerly known as mild MPS II); Severe MPS II; I2S deficiency; MPS 2; Hunter Syndrome; IDURONATE 2-SULFATASE DEFICIENCY. Identifiers: Orphanet 580, Orphanet 79388, MedGen C0026705, MONDO:0010674, OMIM 309900.

Submission:

Labcorp Genetics (formerly Invitae), Labcorp
Classification: Likely pathogenic for Mucopolysaccharidosis, MPS-II. Last evaluated: 2023-11-24. Review status: criteria provided, single submitter. Criteria: Invitae Variant Classification Sherloc (09022015). Collection method: clinical testing. Allele origin: germline.
Comment: This sequence change affects a splice site in intron 6 of the IDS gene. It is expected to disrupt RNA splicing. Variants that disrupt the donor or acceptor splice site typically lead to a loss of protein function (PMID: 16199547), and loss-of-function variants in IDS are known to be pathogenic (PMID: 8940265, 9875019). Information on the frequency of this variant in the gnomAD database is not available, as this variant may be reported differently in the database. This variant has not been reported in the literature in individuals affected with IDS-related conditions. In summary, the currently available evidence indicates that the variant is pathogenic, but additional data are needed to prove that conclusively. Therefore, this variant has been classified as Likely Pathogenic.

Literature cited by the submitters: PubMed 16199547; PubMed 8940265; PubMed 9875019.